The following is an entry in ClinVar:

NM_000051.4(ATM):c.5763-1G>T

Genes: ATM (ATM serine/threonine kinase; plus strand), C11orf65 (chromosome 11 open reading frame 65; minus strand). Cytogenetic location: 11q22.3.
Variant type: single nucleotide variant.
Coding change: c.5763-1G>T on transcript NM_000051.4 (MANE Select); the canonical splice acceptor site of the intron before coding-DNA position 5763, G replaced by T.
Molecular consequence: splice acceptor variant. On other transcripts: intron variant (2).
Genome position (GRCh38, 1-based): chr11:108,310,159, G>T. VCF-style: chr11-108310159-G-T. GRCh37 (hg19) VCF-style: chr11-108180886-G-T.
Other names: c.5763-1G>T (NM_001351834.2); c.641-1088C>A (NM_001330368.2); c.*39-1088C>A (NM_001351110.2).
Identifiers: ClinVar variation 3340762 (VCV003340762.2).

ClinVar aggregate classification (germline): Pathogenic/Likely pathogenic. Review status: criteria provided, multiple submitters, no conflicts (2 of 4 stars). 2 submissions from 2 submitters: Pathogenic (1); Likely pathogenic (1). Last evaluated 2024-06-04.

Conditions:
Familial colorectal cancer type X. Identifiers: Orphanet 440437, MedGen C3896578, MONDO:0018604.

Submissions (2):

Department of Pathology and Laboratory Medicine, Sinai Health System
Classification: Pathogenic for Familial colorectal cancer type X. Last evaluated: 2024-06-04. Review status: criteria provided, single submitter. Criteria: ACMG Guidelines, 2015. Collection method: clinical testing. Allele origin: germline. Affected: yes.

GeneDx
Classification: Likely pathogenic. Last evaluated: 2023-10-05. Review status: criteria provided, single submitter. Criteria: GeneDx Variant Classification Process June 2021. Collection method: clinical testing. Allele origin: germline. Affected: yes.
Comment: Canonical splice site variant predicted to result in a null allele in a gene for which loss of function is a known mechanism of disease; Not observed at significant frequency in large population cohorts (gnomAD); Has not been previously published as pathogenic or benign to our knowledge